The following is an entry in ClinVar:

NM_201550.4(LRRC10):c.497T>C (p.Leu166Pro)

Gene: LRRC10 (leucine rich repeat containing 10; minus strand). Cytogenetic location: 12q15.
Variant type: single nucleotide variant.
Coding change: c.497T>C on transcript NM_201550.4 (MANE Select); coding-DNA position 497, T replaced by C.
Protein change: p.Leu166Pro; replaces leucine 166 with proline.
Molecular consequence: missense variant.
Genome position (GRCh38, 1-based): chr12:69,610,342, A>G on the plus strand (T>C on the coding strand, the complement: LRRC10 is on the minus strand). VCF-style: chr12-69610342-A-G. GRCh37 (hg19) VCF-style: chr12-70004122-A-G.
Other names: short protein forms L166P.
Identifiers: ClinVar variation 1404437 (VCV001404437.6), dbSNP rs774636598, ClinGen allele CA6681053.

ClinVar aggregate classification (germline): Uncertain significance (1 of 4 stars; one submission).

Allele frequency attached by ClinVar (database versions not stated): gnomAD exomes below 0.00001 and 0.00001; ExAC 0.00002; gnomAD 0.00001; TOPMed 0.00001.

Submission:

Labcorp Genetics (formerly Invitae), Labcorp
Classification: Uncertain significance. Last evaluated: 2023-01-31. Review status: criteria provided, single submitter. Criteria: Invitae Variant Classification Sherloc (09022015). Collection method: clinical testing. Allele origin: germline.
Comment: This sequence change replaces leucine, which is neutral and non-polar, with proline, which is neutral and non-polar, at codon 166 of the LRRC10 protein (p.Leu166Pro). This variant is present in population databases (rs774636598, gnomAD 0.003%). This variant has not been reported in the literature in individuals affected with LRRC10-related conditions. ClinVar contains an entry for this variant (Variation ID: 1404437). Algorithms developed to predict the effect of missense changes on protein structure and function are either unavailable or do not agree on the potential impact of this missense change (SIFT: "Deleterious"; PolyPhen-2: "Probably Damaging"; Align-GVGD: "Class C15"). In summary, the available evidence is currently insufficient to determine the role of this variant in disease. Therefore, it has been classified as a Variant of Uncertain Significance.